The following is an entry in ClinVar:

NM_001127208.3(TET2):c.2588A>C (p.His863Pro)

Genes: TET2 (tet methylcytosine dioxygenase 2; plus strand), TET2-AS1 (TET2 antisense RNA 1; minus strand). Cytogenetic location: 4q24.
Variant type: single nucleotide variant.
Coding change: c.2588A>C on transcript NM_001127208.3 (MANE Select); coding-DNA position 2588, A replaced by C.
Protein change: p.His863Pro; replaces histidine 863 with proline.
Molecular consequence: missense variant.
Genome position (GRCh38, 1-based): chr4:105,236,530, A>C. VCF-style: chr4-105236530-A-C. GRCh37 (hg19) VCF-style: chr4-106157687-A-C.
Other names: c.2588A>C, p.His863Pro (NM_017628.4); short protein forms H863P.
Identifiers: ClinVar variation 5030707 (VCV005030707.1).

ClinVar aggregate classification (germline): Uncertain significance (1 of 4 stars; one submission).

Submission:

Ambry Genetics
Classification: Uncertain significance. Last evaluated: 2026-07-11. Review status: criteria provided, single submitter. Criteria: Ambry Variant Classification Scheme 2023. Collection method: clinical testing. Allele origin: germline.
Comment: The p.H863P variant (also known as c.2588A>C), located in coding exon 1 of the TET2 gene, results from an A to C substitution at nucleotide position 2588. The histidine at codon 863 is replaced by proline, an amino acid with similar properties. This amino acid position is conserved. In addition, this alteration is predicted to be tolerated by in silico analysis. Based on the available evidence, the clinical significance of this variant remains unclear.